The following is an entry in ClinVar:

NM_001923.5(DDB1):c.2717A>G (p.Tyr906Cys)

Gene: DDB1 (damage specific DNA binding protein 1; minus strand). Cytogenetic location: 11q12.2.
Variant type: single nucleotide variant.
Coding change: c.2717A>G on transcript NM_001923.5 (MANE Select); coding-DNA position 2717, A replaced by G.
Protein change: p.Tyr906Cys; replaces tyrosine 906 with cysteine.
Molecular consequence: missense variant.
Genome position (GRCh38, 1-based): chr11:61,303,980, T>C on the plus strand (A>G on the coding strand, the complement: DDB1 is on the minus strand). VCF-style: chr11-61303980-T-C. GRCh37 (hg19) VCF-style: chr11-61071452-T-C.
Other names: short protein forms Y906C.
Identifiers: ClinVar variation 4885645 (VCV004885645.2).

ClinVar aggregate classification (germline): Uncertain significance (1 of 4 stars; one submission).

Submission:

Dasa
Classification: Uncertain significance. Last evaluated: 2024-08-23. Review status: criteria provided, single submitter. Criteria: DASA Assertion Criteria. Collection method: clinical testing. Allele origin: germline.
Comment: NM_001923.5(DDB1):c.2717A>G (p.Tyr906Cys) is a missense variant that results in the substitution of tyrosine with cysteine. This variant is absent from population databases. Computational prediction algorithms are consistent with a benign effect. The currently available literature and clinical evidence are not sufficient to establish a definitive association between this variant and the reported condition. Therefore, this variant is classified as a variant of uncertain significance.